The following is an entry in ClinVar:

NM_001369268.1(ACAN):c.1080C>A (p.Asn360Lys)

Gene: ACAN (aggrecan; plus strand). Cytogenetic location: 15q26.1.
Variant type: single nucleotide variant.
Coding change: c.1080C>A on transcript NM_001369268.1 (MANE Select); coding-DNA position 1080, C replaced by A.
Protein change: p.Asn360Lys; replaces asparagine 360 with lysine.
Molecular consequence: missense variant.
Genome position (GRCh38, 1-based): chr15:88,845,533, C>A. VCF-style: chr15-88845533-C-A. GRCh37 (hg19) VCF-style: chr15-89388764-C-A.
Other names: c.1080C>A, p.Asn360Lys (NM_001135.4, NM_001411096.1, NM_001411097.1 and 1 more transcripts); short protein forms N360K.
Identifiers: ClinVar variation 2662088 (VCV002662088.2), dbSNP rs549170099, ClinGen allele CA274470450.

ClinVar aggregate classification (germline): Uncertain significance. Review status: criteria provided, multiple submitters, no conflicts (2 of 4 stars). 2 submissions from 2 submitters: Uncertain significance (2). Last evaluated 2026-05-23.

Conditions:
Inborn genetic diseases. Identifiers: MedGen C0950123, MeSH D030342.

Allele frequency attached by ClinVar (database versions not stated): gnomAD 0.00001; 1000 Genomes Project 30x 0.00016; 1000 Genomes Project 0.00020.
gnomAD v4.1: 2 of 1,611,528 alleles (0.00012%); highest among the groups gnomAD compares: Admixed American, 0.0017%; no homozygotes.

Submissions (2):

Ambry Genetics
Classification: Uncertain significance for Inborn genetic diseases. Last evaluated: 2026-05-23. Review status: criteria provided, single submitter. Criteria: Ambry Variant Classification Scheme 2023. Collection method: clinical testing. Allele origin: germline.

GeneDx
Classification: Uncertain significance. Last evaluated: 2023-04-10. Review status: criteria provided, single submitter. Criteria: GeneDx Variant Classification Process June 2021. Collection method: clinical testing. Allele origin: germline. Affected: yes.
Comment: Not observed at significant frequency in large population cohorts (gnomAD); In silico analysis supports that this missense variant has a deleterious effect on protein structure/function; Has not been previously published as pathogenic or benign to our knowledge